The following is an entry in ClinVar:

ClinVar aggregate classification (germline): Uncertain significance (1 of 4 stars; one submission).

Conditions:
Nephronophthisis. Also called: Juvenile Nephronophthisis. Identifiers: Orphanet 655, MedGen C0687120, MONDO:0019005, HP:0000090.

Allele frequency attached by ClinVar (database versions not stated): TOPMed below 0.00001.

Submission:

Labcorp Genetics (formerly Invitae), Labcorp
Classification: Uncertain significance for Nephronophthisis. Last evaluated: 2022-07-31. Review status: criteria provided, single submitter. Criteria: Invitae Variant Classification Sherloc (09022015). Collection method: clinical testing. Allele origin: germline.
Comment: In summary, the available evidence is currently insufficient to determine the role of this variant in disease. Therefore, it has been classified as a Variant of Uncertain Significance. Algorithms developed to predict the effect of missense changes on protein structure and function (SIFT, PolyPhen-2, Align-GVGD) all suggest that this variant is likely to be tolerated. This variant has not been reported in the literature in individuals affected with NPHP4-related conditions. This variant is not present in population databases (gnomAD no frequency). This sequence change replaces leucine, which is neutral and non-polar, with proline, which is neutral and non-polar, at codon 449 of the NPHP4 protein (p.Leu449Pro).

NM_015102.5(NPHP4):c.1346T>C (p.Leu449Pro)

Gene: NPHP4 (nephrocystin 4; minus strand). Cytogenetic location: 1p36.31.
Variant type: single nucleotide variant.
Coding change: c.1346T>C on transcript NM_015102.5 (MANE Select); coding-DNA position 1346, T replaced by C.
Protein change: p.Leu449Pro; replaces leucine 449 with proline.
Molecular consequence: missense variant. On other transcripts: 5 prime UTR variant (2), non-coding transcript variant (1).
Genome position (GRCh38, 1-based): chr1:5,927,744, A>G on the plus strand (T>C on the coding strand, the complement: NPHP4 is on the minus strand). VCF-style: chr1-5927744-A-G. GRCh37 (hg19) VCF-style: chr1-5987804-A-G.
Other names: c.-21T>C (NM_001291593.2, NM_001291594.2); short protein forms L449P.
Identifiers: ClinVar variation 2012432 (VCV002012432.4), dbSNP rs1437698448, ClinGen allele CA338060176.
Genomic context (GRCh38, chr1:5,927,744, plus strand): 5'-CGCTCCACTTTGGGGCCACTGACAGGCTCCGTGGGTGCATCCAGGTGTTCTTCTGAGCCC[A>G]GCGAGAACTGGAACCGGAGTGTACCCGACTCCACCTGCTTCACCTGCAATGGACCAGAAG-3'
Protein context (NP_055917.1, residues 439-459): ESGTLRFQFS[Leu449Pro]GSEEHLDAPT